The following is an entry in ClinVar:

NM_001378454.1(ALMS1):c.9386dup (p.Pro3130fs)

Gene: ALMS1 (ALMS1 centrosome and basal body associated protein; plus strand). Cytogenetic location: 2p13.1.
Variant type: Duplication.
Coding change: c.9386dup on transcript NM_001378454.1 (MANE Select); coding-DNA position 9386, one base duplicated (A; older notation c.9386dupA).
Protein change: p.Pro3130fs; shifts the reading frame from proline 3130.
Molecular consequence: frameshift variant.
Genome position (GRCh38, 1-based): chr2:73,491,345, A duplicated. VCF-style (leftmost placement, unchanged base first): chr2-73491344-C-CA. GRCh37 (hg19) VCF-style: chr2-73718471-C-CA.
Other names: c.9389dup, p.Pro3131fs (NM_015120.4); c.9389dupA (NM_015120.4); short protein forms P3130fs, P3131fs.
Identifiers: ClinVar variation 2691461 (VCV002691461.6), dbSNP rs1361923069, ClinGen allele CA892867792.

ClinVar aggregate classification (germline): Pathogenic/Likely pathogenic. Review status: criteria provided, multiple submitters, no conflicts (2 of 4 stars). 3 submissions from 3 submitters: Pathogenic (2); Likely pathogenic (1). Last evaluated 2025-03-10.

Conditions:
Alstrom syndrome (ALMS). Identifiers: Orphanet 64, MedGen C0268425, MONDO:0008763, OMIM 203800.

Allele frequency attached by ClinVar (database versions not stated): gnomAD exomes below 0.00001; TOPMed 0.00001; gnomAD 0.00003.

Submissions (3):

Natera, Inc.
Classification: Likely pathogenic for Alstrom syndrome. Last evaluated: 2025-03-10. Review status: criteria provided, single submitter. Criteria: Natera Variant Classification Schema (03/2026). Collection method: clinical testing. Allele origin: germline.
Comment: The c.9389dup variant in ALMS1 is a frameshift variant predicted to shift the reading frame beginning at codon 3131 and leads to a stop codon 7 codons downstream. This variant is expected to result in nonsense mediated decay, truncation, or a dysfunctional protein product. This variant is rare in the general population with a frequency below the threshold expected for the associated phenotype(s). Given the available evidence, this variant is classified as Likely Pathogenic.

Labcorp Genetics (formerly Invitae), Labcorp
Classification: Pathogenic for Alstrom syndrome. Last evaluated: 2024-09-17. Review status: criteria provided, single submitter. Criteria: Invitae Variant Classification Sherloc (09022015). Collection method: clinical testing. Allele origin: germline.
Comment: This sequence change creates a premature translational stop signal (p.Pro3131Alafs*7) in the ALMS1 gene. It is expected to result in an absent or disrupted protein product. Loss-of-function variants in ALMS1 are known to be pathogenic (PMID: 17594715). This variant is not present in population databases (gnomAD no frequency). This variant has not been reported in the literature in individuals affected with ALMS1-related conditions. Algorithms developed to predict the effect of sequence changes on RNA splicing suggest that this variant may disrupt the consensus splice site. For these reasons, this variant has been classified as Pathogenic.

Women's Health and Genetics/Laboratory Corporation of America, LabCorp
Classification: Pathogenic for Alstrom syndrome. Last evaluated: 2023-12-04. Review status: criteria provided, single submitter. Criteria: LabCorp Variant Classification Summary - May 2015. Collection method: clinical testing. Allele origin: germline.
Comment: Variant summary: ALMS1 c.9383dupA (p.Pro3129AlafsX7) results in a premature termination codon, predicted to cause absence of the protein due to nonsense mediated decay, which is a commonly known mechanism for disease. The variant was absent in 249464 control chromosomes (gnomAD). To our knowledge, no occurrence of c.9383dupA in individuals affected with Alstrom Syndrome and no experimental evidence demonstrating its impact on protein function have been reported. No submitters have cited clinical-significance assessments for this variant to ClinVar after 2014. Based on the evidence outlined above, the variant was classified as pathogenic.

Literature cited by the submitters: PubMed 17594715 (cited by Labcorp Genetics (formerly Invitae), Labcorp).